The following is an entry in ClinVar:

NM_001372.4(DNAH9):c.1448A>G (p.His483Arg)

Gene: DNAH9 (dynein axonemal heavy chain 9; plus strand). Cytogenetic location: 17p12.
Variant type: single nucleotide variant.
Coding change: c.1448A>G on transcript NM_001372.4 (MANE Select); coding-DNA position 1448, A replaced by G.
Protein change: p.His483Arg; replaces histidine 483 with arginine.
Molecular consequence: missense variant.
Genome position (GRCh38, 1-based): chr17:11,629,514, A>G. VCF-style: chr17-11629514-A-G. GRCh37 (hg19) VCF-style: chr17-11532831-A-G.
Other names: short protein forms H483R.
Identifiers: ClinVar variation 2778668 (VCV002778668.2), dbSNP rs771447371, ClinGen allele CA8394850.
Genomic context (GRCh38, chr17:11,629,514, plus strand): 5'-GAAAGGTGGAGTTCAGCGGCGTCAGAGGGAATGCTCTGAGTCAGCAGGTCCAGCAAATGC[A>G]TGAAGAATTTCAAGAGATGTACAGGCTTCTCTCAGGATCCTCCTCCGACTGCCTGTACCT-3'
Protein context (NP_001363.2, residues 473-493): NALSQQVQQM[His483Arg]EEFQEMYRLL

ClinVar aggregate classification (germline): Uncertain significance (1 of 4 stars; one submission).

Allele frequency attached by ClinVar (database versions not stated): ExAC 0.00001.
gnomAD v4.1: 1 of 1,614,164 alleles (0.000062%); highest among the groups gnomAD compares: Non-Finnish European, 0.000085%; no homozygotes.

Submission:

Labcorp Genetics (formerly Invitae), Labcorp
Classification: Uncertain significance. Last evaluated: 2023-04-14. Review status: criteria provided, single submitter. Criteria: Invitae Variant Classification Sherloc (09022015). Collection method: clinical testing. Allele origin: germline.
Comment: In summary, the available evidence is currently insufficient to determine the role of this variant in disease. Therefore, it has been classified as a Variant of Uncertain Significance. Advanced modeling of protein sequence and biophysical properties (such as structural, functional, and spatial information, amino acid conservation, physicochemical variation, residue mobility, and thermodynamic stability) performed at Invitae indicates that this missense variant is expected to disrupt DNAH9 protein function. This variant has not been reported in the literature in individuals affected with DNAH9-related conditions. This variant is present in population databases (rs771447371, gnomAD 0.0009%). This sequence change replaces histidine, which is basic and polar, with arginine, which is basic and polar, at codon 483 of the DNAH9 protein (p.His483Arg).